The following is an entry in ClinVar:

ClinVar aggregate classification (germline): Uncertain significance (1 of 4 stars; one submission).

Conditions:
Primary dilated cardiomyopathy (DCM). Also called: Dilated Cardiomyopathy. Identifiers: Orphanet 217604, MedGen C0007193, MeSH D002311, MONDO:0005021, HP:0001644. Inheritance: Various modes of inheritance.

Allele frequency attached by ClinVar (database versions not stated): gnomAD exomes below 0.00001 and 0.00001; ExAC 0.00002; gnomAD 0.00004 and 0.00005; TOPMed 0.00005; 1000 Genomes Project 30x 0.00031; 1000 Genomes Project 0.00040.
gnomAD v4.1: 16 of 1,614,148 alleles (0.00099%); highest among the groups gnomAD compares: Admixed American, 0.017%; 1 homozygote.

Submission:

Labcorp Genetics (formerly Invitae), Labcorp
Classification: Uncertain significance for Primary dilated cardiomyopathy. Last evaluated: 2025-12-21. Review status: criteria provided, single submitter. Criteria: Invitae Variant Classification Sherloc (09022015). Collection method: clinical testing. Allele origin: germline.
Comment: This sequence change replaces aspartic acid, which is acidic and polar, with histidine, which is basic and polar, at codon 138 of the NEBL protein (p.Asp138His). This variant is present in population databases (rs561316471, gnomAD 0.009%). This variant has not been reported in the literature in individuals affected with NEBL-related conditions. ClinVar contains an entry for this variant (Variation ID: 1027178). An algorithm developed to predict the effect of missense changes on protein structure and function (PolyPhen-2) suggests that this variant is likely to be disruptive. In summary, the available evidence is currently insufficient to determine the role of this variant in disease. Therefore, it has been classified as a Variant of Uncertain Significance.

NM_006393.3(NEBL):c.412G>C (p.Asp138His)

Gene: NEBL (nebulette; minus strand). Cytogenetic location: 10p12.31.
Variant type: single nucleotide variant.
Coding change: c.412G>C on transcript NM_006393.3 (MANE Select); coding-DNA position 412, G replaced by C.
Protein change: p.Asp138His; replaces aspartic acid 138 with histidine.
Molecular consequence: missense variant. On other transcripts: intron variant (9).
Genome position (GRCh38, 1-based): chr10:20,880,862, C>G on the plus strand (G>C on the coding strand, the complement: NEBL is on the minus strand). VCF-style: chr10-20880862-C-G. GRCh37 (hg19) VCF-style: chr10-21169791-C-G.
Other names: c.250-67922G>C (NM_001377326.1, NM_001377327.1, NM_001377328.1); c.358-67922G>C (NM_213569.2, NM_001173484.2, NM_001377322.1); c.301-67922G>C (NM_001377324.1); c.292-67922G>C (NM_001377325.1); c.310-67922G>C (NM_001377323.1); short protein forms D138H.
Identifiers: ClinVar variation 1027178 (VCV001027178.7), dbSNP rs561316471, ClinGen allele CA5433257.
Genomic context (GRCh38, chr10:20,880,862, plus strand): 5'-GGTGTTTATTGACCTCCATGGCATGTTTAACCTCAGGGGGCTCCTTCATGTGGGCATAAT[C>G]TGAGAATCCTTTGGCAGCATCATGTTTCTGCTTGTAGGCCACCTGAAAAACACAAATAAT-3'
Protein context (NP_006384.1, residues 128-148): QKHDAAKGFS[Asp138His]YAHMKEPPEV